The following is an entry in ClinVar:

NM_001366722.1(GRIP1):c.1798dup (p.Leu600fs)

Gene: GRIP1 (glutamate receptor interacting protein 1; minus strand). Cytogenetic location: 12q14.3.
Variant type: Duplication.
Coding change: c.1798dup on transcript NM_001366722.1 (MANE Select); coding-DNA position 1798, one base duplicated (C; older notation c.1798dupC).
Protein change: p.Leu600fs; shifts the reading frame from leucine 600.
Molecular consequence: frameshift variant.
Genome position (GRCh38, 1-based): chr12:66,420,760, G duplicated on the plus strand (C on the coding strand, the reverse complement: GRIP1 is on the minus strand); the first of 5 consecutive G bases (chr12:66,420,760-66,420,764); duplicating any one gives the same sequence. VCF-style (leftmost placement, unchanged base first): chr12-66420759-A-AG. GRCh37 (hg19) VCF-style: chr12-66814539-A-AG.
Other names: c.1642dup, p.Leu548fs (NM_001178074.2, NM_001379351.1, NM_021150.4); c.1717dup, p.Leu573fs (NM_001366723.1, NM_001379348.1); c.1720dup, p.Leu574fs (NM_001366724.1, NM_001379347.1); c.1876dup, p.Leu626fs (NM_001379345.1); c.1798dup, p.Leu600fs (NM_001379346.1, NM_001439323.1); c.1645dup, p.Leu549fs (NM_001379349.1); c.1801dup, p.Leu601fs (NM_001439322.1); short protein forms L548fs, L549fs, L573fs, L574fs, L600fs, L601fs, L626fs.
Identifiers: ClinVar variation 5014292 (VCV005014292.1).

ClinVar aggregate classification (germline): Pathogenic (1 of 4 stars; one submission).

Conditions:
Fraser syndrome 3. Identifiers: MedGen C4540040, MONDO:0054739, OMIM 617667.

Submission:

Myriad Genetics, Inc.
Classification: Pathogenic for Fraser syndrome 3. Last evaluated: 2025-04-02. Review status: criteria provided, single submitter. Criteria: Myriad Autosomal Dominant, Autosomal Recessive and X-Linked Classification Criteria (2023). Collection method: clinical testing. Allele origin: unknown.
Comment: NM_021150.3(GRIP1):c.1642dupC(L548Pfs*23) is expected to be pathogenic in the context of Fraser syndrome, GRIP1-related. This variant is predicted to lead to an abnormal or absent protein product due to the creation of a premature termination codon in GRIP1, a gene where loss-of-function variants are known to be pathogenic. Please note: this variant was assessed in the context of healthy population screening.